The following is an entry in ClinVar:

NM_003235.5(TG):c.8095G>T (p.Glu2699Ter)

Gene: TG (thyroglobulin; plus strand). Cytogenetic location: 8q24.22.
Variant type: single nucleotide variant.
Coding change: c.8095G>T on transcript NM_003235.5 (MANE Select); coding-DNA position 8095, G replaced by T.
Protein change: p.Glu2699Ter; replaces glutamic acid 2699 with a stop codon.
Molecular consequence: nonsense.
Genome position (GRCh38, 1-based): chr8:133,133,567, G>T. VCF-style: chr8-133133567-G-T. GRCh37 (hg19) VCF-style: chr8-134145811-G-T.
Other names: short protein forms E2699*.
Identifiers: ClinVar variation 2770933 (VCV002770933.3), dbSNP rs2537825200, ClinGen allele CA372253359.

ClinVar aggregate classification (germline): Pathogenic (1 of 4 stars; one submission).

Submission:

Labcorp Genetics (formerly Invitae), Labcorp
Classification: Pathogenic. Last evaluated: 2023-10-22. Review status: criteria provided, single submitter. Criteria: Invitae Variant Classification Sherloc (09022015). Collection method: clinical testing. Allele origin: germline.
Comment: This sequence change creates a premature translational stop signal (p.Glu2699*) in the TG gene. It is expected to result in an absent or disrupted protein product. Loss-of-function variants in TG are known to be pathogenic (PMID: 19837936, 23164529). This variant is not present in population databases (gnomAD no frequency). This variant has not been reported in the literature in individuals affected with TG-related conditions. For these reasons, this variant has been classified as Pathogenic.

Literature cited by the submitters: PubMed 19837936; PubMed 23164529.